The following is an entry in ClinVar:

NM_004360.5(CDH1):c.382C>T (p.His128Tyr)

Gene: CDH1 (cadherin 1; plus strand). Cytogenetic location: 16q22.1.
Variant type: single nucleotide variant.
Coding change: c.382C>T on transcript NM_004360.5 (MANE Select); coding-DNA position 382, C replaced by T.
Protein change: p.His128Tyr; replaces histidine 128 with tyrosine.
Molecular consequence: missense variant. On other transcripts: 5 prime UTR variant (2).
Genome position (GRCh38, 1-based): chr16:68,801,888, C>T. VCF-style: chr16-68801888-C-T. GRCh37 (hg19) VCF-style: chr16-68835791-C-T.
Other names: c.382C>T (LRG_301t1); c.382C>T, p.His128Tyr (NM_001317184.2); c.-1234C>T (NM_001317185.2); c.-1438C>T (NM_001317186.2); short protein forms H128Y.
Identifiers: ClinVar variation 439043 (VCV000439043.20), dbSNP rs376152506, ClinGen allele CA8129840.

ClinVar aggregate classification (germline): Conflicting classifications of pathogenicity. Review status: criteria provided, conflicting classifications (1 of 4 stars). 5 submissions from 5 submitters: Uncertain significance (4); Likely benign (1). Last evaluated 2026-07-30.

Conditions:
Hereditary cancer-predisposing syndrome. Also called: Neoplastic Syndromes, Hereditary; Hereditary neoplastic syndrome; Hereditary Cancer Syndrome; Tumor predisposition. Identifiers: Orphanet 140162, MedGen C0027672, MeSH D009386, MONDO:0015356.
Familial cancer of breast. Also called: hereditary breast carcinoma; Hereditary breast cancer; BREAST CANCER, FAMILIAL. Identifiers: Orphanet 227535, MedGen C0346153, MONDO:0016419, OMIM 114480. Disease mechanism: loss of function.
Hereditary diffuse gastric adenocarcinoma (HDGC). Also called: DIFFUSE GASTRIC AND LOBULAR BREAST CANCER SYNDROME. Identifiers: Orphanet 26106, MedGen C1708349, MONDO:0007648, OMIM 137215.

Allele frequency attached by ClinVar (database versions not stated): gnomAD exomes below 0.00001 and 0.00001; TOPMed below 0.00001; ExAC 0.00001; gnomAD 0.00001; ESP Exome Variant Server 0.00008.
gnomAD v4.1: 4 of 1,613,300 alleles (0.00025%); highest among the groups gnomAD compares: Non-Finnish European, 0.00034%; no homozygotes.

Submissions (5):

Ambry Genetics
Classification: Likely benign for Hereditary cancer-predisposing syndrome. Last evaluated: 2026-07-30. Review status: criteria provided, single submitter. Criteria: Ambry Variant Classification Scheme 2023. Collection method: clinical testing. Allele origin: germline.

Labcorp Genetics (formerly Invitae), Labcorp
Classification: Uncertain significance for Hereditary diffuse gastric adenocarcinoma. Last evaluated: 2025-11-20. Review status: criteria provided, single submitter. Criteria: Invitae Variant Classification Sherloc (09022015). Collection method: clinical testing. Allele origin: germline.
Comment: This sequence change replaces histidine, which is basic and polar, with tyrosine, which is neutral and polar, at codon 128 of the CDH1 protein (p.His128Tyr). This variant is present in population databases (rs376152506, gnomAD 0.003%). This variant has not been reported in the literature in individuals affected with CDH1-related conditions. ClinVar contains an entry for this variant (Variation ID: 439043). An algorithm developed to predict the effect of missense changes on protein structure and function (PolyPhen-2) suggests that this variant is likely to be tolerated. In summary, the available evidence is currently insufficient to determine the role of this variant in disease. Therefore, it has been classified as a Variant of Uncertain Significance.

Baylor Genetics
Classification: Uncertain significance for Familial cancer of breast. Last evaluated: 2024-02-15. Review status: criteria provided, single submitter. Criteria: ACMG Guidelines, 2015. Collection method: clinical testing. Allele origin: unknown.

Color Diagnostics, LLC DBA Color Health
Classification: Uncertain significance for Hereditary cancer-predisposing syndrome. Last evaluated: 2023-12-05. Review status: criteria provided, single submitter. Criteria: ACMG Guidelines, 2015. Collection method: clinical testing. Allele origin: germline.
Comment: This missense variant replaces histidine with tyrosine at codon 128 of the CDH1 protein. To our knowledge, functional studies have not been reported for this variant. This variant has not been reported in individuals affected with CDH1-related disorders in the literature. This variant has been identified in 3/250570 chromosomes in the general population by the Genome Aggregation Database (gnomAD). The available evidence is insufficient to determine the role of this variant in disease conclusively. Therefore, this variant is classified as a Variant of Uncertain Significance.

Quest Diagnostics Nichols Institute San Juan Capistrano
Classification: Uncertain significance. Last evaluated: 2016-08-31. Review status: criteria provided, single submitter. Criteria: Quest Diagnostics criteria. Collection method: clinical testing. Allele origin: germline.